The following is an entry in ClinVar:

ClinVar aggregate classification (germline): Uncertain significance (1 of 4 stars; one submission).

Conditions:
Pfeiffer syndrome (ACS5). Also called: ACS V. Identifiers: Orphanet 710, MedGen C0220658, MONDO:0007043, OMIM 101600.
Hypogonadotropic hypogonadism 2 with or without anosmia (HH2). Also called: HYPOGONADOTROPIC HYPOGONADISM 2 WITHOUT ANOSMIA; HYPOGONADOTROPIC HYPOGONADISM 2 WITH OR WITHOUT ANOSMIA, SUSCEPTIBILITY TO; HYPOGONADOTROPIC HYPOGONADISM 2 WITHOUT ANOSMIA, SUSCEPTIBILITY TO; FGFR1-Related GnRH Deficiency (Kallmann Syndrome 2). Identifiers: Orphanet 478, MedGen C1563720, MONDO:0007844, OMIM 147950. Disease mechanism: loss of function.

Submission:

Labcorp Genetics (formerly Invitae), Labcorp
Classification: Uncertain significance for Pfeiffer syndrome; Hypogonadotropic hypogonadism 2 with or without anosmia. Last evaluated: 2022-09-15. Review status: criteria provided, single submitter. Criteria: Invitae Variant Classification Sherloc (09022015). Collection method: clinical testing. Allele origin: germline.
Comment: This variant has not been reported in the literature in individuals affected with FGFR1-related conditions. This sequence change replaces aspartic acid, which is acidic and polar, with valine, which is neutral and non-polar, at codon 142 of the FGFR1 protein (p.Asp142Val). This variant is not present in population databases (gnomAD no frequency). Advanced modeling of protein sequence and biophysical properties (such as structural, functional, and spatial information, amino acid conservation, physicochemical variation, residue mobility, and thermodynamic stability) has been performed at Invitae for this missense variant, however the output from this modeling did not meet the statistical confidence thresholds required to predict the impact of this variant on FGFR1 protein function. In summary, the available evidence is currently insufficient to determine the role of this variant in disease. Therefore, it has been classified as a Variant of Uncertain Significance.

NM_023110.3(FGFR1):c.425A>T (p.Asp142Val)

Gene: FGFR1 (fibroblast growth factor receptor 1; minus strand). Cytogenetic location: 8p11.23.
Variant type: single nucleotide variant.
Coding change: c.425A>T on transcript NM_023110.3 (MANE Select); coding-DNA position 425, A replaced by T.
Protein change: p.Asp142Val; replaces aspartic acid 142 with valine.
Molecular consequence: missense variant.
Genome position (GRCh38, 1-based): chr8:38,428,369, T>A on the plus strand (A>T on the coding strand, the complement: FGFR1 is on the minus strand). VCF-style: chr8-38428369-T-A. GRCh37 (hg19) VCF-style: chr8-38285887-T-A.
Other names: c.425A>T, p.Asp142Val (NM_000604.2, NM_001174063.2, NM_001174065.2 and 4 more transcripts); c.401A>T, p.Asp134Val (NM_001174064.2); c.158A>T, p.Asp53Val (NM_001174066.2, NM_001354368.2, NM_001354370.2 and 2 more transcripts); c.524A>T, p.Asp175Val (NM_001174067.2); short protein forms D134V, D142V, D175V, D53V.
Identifiers: ClinVar variation 1714513 (VCV001714513.5), dbSNP rs2150929284, ClinGen allele CA370735949.